The following is an entry in ClinVar:

ClinVar aggregate classification (germline): Pathogenic. Review status: criteria provided, multiple submitters, no conflicts (2 of 4 stars). 3 submissions from 3 submitters: Pathogenic (3). Last evaluated 2026-01-30.

Conditions:
MYO7A-related disorder. Also called: MYO7A-related disorders.

Allele frequency attached by ClinVar (database versions not stated): gnomAD exomes below 0.00001 and 0.00001; TOPMed below 0.00001; gnomAD 0.00001.

Submissions (3):

PreventionGenetics, part of Exact Sciences
Classification: Pathogenic for MYO7A-related condition. Last evaluated: 2026-01-30. Review status: criteria provided, single submitter. Criteria: ACMG Guidelines, 2015. Collection method: clinical testing. Allele origin: germline.
Comment: The MYO7A c.321_322insA variant is predicted to result in a frameshift and premature protein termination (p.Tyr108Ilefs*32). This variant was reported in the heterozygous state along with a second pathogenic MYO7A variant in one individual with hearing loss who was later found to have retinal changes after ophthalmologic examination (Brodie et al. 2021. PubMed ID: 33111992; Supplemental Table, Florentine et al. 2021. PubMed ID: 34515852). This variant is reported in 0.00090% of alleles in individuals of European (Non-Finnish) descent in gnomAD. Frameshift variants in MYO7A are expected to be pathogenic. This variant is interpreted as pathogenic.

Labcorp Genetics (formerly Invitae), Labcorp
Classification: Pathogenic. Last evaluated: 2024-02-25. Review status: criteria provided, single submitter. Criteria: Invitae Variant Classification Sherloc (09022015). Collection method: clinical testing. Allele origin: germline.
Comment: This sequence change creates a premature translational stop signal (p.Tyr108Ilefs*32) in the MYO7A gene. It is expected to result in an absent or disrupted protein product. Loss-of-function variants in MYO7A are known to be pathogenic (PMID: 8900236, 25404053). This variant is present in population databases (no rsID available, gnomAD 0.0009%). This variant has not been reported in the literature in individuals affected with MYO7A-related conditions. ClinVar contains an entry for this variant (Variation ID: 817097). Algorithms developed to predict the effect of sequence changes on RNA splicing suggest that this variant may create or strengthen a splice site. For these reasons, this variant has been classified as Pathogenic.

GeneDx
Classification: Pathogenic. Last evaluated: 2019-08-12. Review status: criteria provided, single submitter. Criteria: GeneDx Variant Classification (06012015). Collection method: clinical testing. Allele origin: germline. Affected: yes.
Comment: The c.321_322insA variant has not been published as a pathogenic variant, nor has it been reported as a benign variant to our knowledge. The variant is not observed at a significant frequency in large population cohorts (Lek et al., 2016). It causes a frameshift starting with codon Tyrosine 108, changes this amino acid to an Isoleucine residue and creates a premature Stop codon at position 32 of the new reading frame, denoted p.Tyr108IlefsX32. This variant is predicted to cause loss of normal protein function either through protein truncation or nonsense-mediated mRNA decay. We interpret c.321_322insA as a pathogenic variant.

Literature cited by the submitters: PubMed 8900236 (cited by Labcorp Genetics (formerly Invitae), Labcorp); PubMed 25404053 (cited by Labcorp Genetics (formerly Invitae), Labcorp).

NM_000260.4(MYO7A):c.321_322insA (p.Tyr108fs)

Gene: MYO7A (myosin VIIA; plus strand). Cytogenetic location: 11q13.5.
Variant type: Insertion.
Coding change: c.321_322insA on transcript NM_000260.4 (MANE Select); coding-DNA positions 321 to 322, A inserted.
Protein change: p.Tyr108fs; shifts the reading frame from tyrosine 108.
Molecular consequence: frameshift variant.
Genome position: GRCh38 VCF-style: chr11-77155942-C-CA. GRCh37 (hg19) VCF-style: chr11-76866988-C-CA.
Other names: c.321_322insA, p.Tyr108fs (NM_001127180.2); c.288_289insA, p.Tyr97fs (NM_001369365.1); short protein forms Y108fs, Y97fs.
Identifiers: ClinVar variation 817097 (VCV000817097.9), dbSNP rs1324244950, ClinGen allele CA600710633.
Genomic context (GRCh38, chr11:77,155,942, plus strand): 5'-GCTCCCCATCTCTTGCTGCCCGCAGACGTATACGGGCTCCATCCTGGTGGCTGTGAACCC[C>CA]TACCAGCTGCTCTCCATCTACTCGCCAGAGCACATCCGCCAGTATACCAACAAGAAGATT-3'